The following is an entry in ClinVar:

NM_006509.4(RELB):c.263C>T (p.Ala88Val)

Gene: RELB (RELB proto-oncogene, NF-kB subunit; plus strand). Cytogenetic location: 19q13.32.
Variant type: single nucleotide variant.
Coding change: c.263C>T on transcript NM_006509.4 (MANE Select); coding-DNA position 263, C replaced by T.
Protein change: p.Ala88Val; replaces alanine 88 with valine.
Molecular consequence: missense variant.
Genome position (GRCh38, 1-based): chr19:45,012,035, C>T. VCF-style: chr19-45012035-C-T. GRCh37 (hg19) VCF-style: chr19-45515293-C-T.
Other names: c.254C>T, p.Ala85Val (NM_001411087.1); short protein forms A85V, A88V.
Identifiers: ClinVar variation 2986295 (VCV002986295.3), dbSNP rs753171076, ClinGen allele CA9507522.

ClinVar aggregate classification (germline): Uncertain significance (1 of 4 stars; one submission).

Allele frequency attached by ClinVar (database versions not stated): gnomAD 0.00001; ExAC 0.00002.
gnomAD v4.1: 17 of 1,567,870 alleles (0.0011%); highest among the groups gnomAD compares: Admixed American, 0.0019%; no homozygotes.

Submission:

Labcorp Genetics (formerly Invitae), Labcorp
Classification: Uncertain significance. Last evaluated: 2024-03-01. Review status: criteria provided, single submitter. Criteria: Invitae Variant Classification Sherloc (09022015). Collection method: clinical testing. Allele origin: germline.
Comment: This sequence change replaces alanine, which is neutral and non-polar, with valine, which is neutral and non-polar, at codon 88 of the RELB protein (p.Ala88Val). The frequency data for this variant in the population databases is considered unreliable, as metrics indicate poor data quality at this position in the gnomAD database. This variant has not been reported in the literature in individuals affected with RELB-related conditions. An algorithm developed to predict the effect of missense changes on protein structure and function (PolyPhen-2) suggests that this variant is likely to be tolerated. In summary, the available evidence is currently insufficient to determine the role of this variant in disease. Therefore, it has been classified as a Variant of Uncertain Significance.